The following is an entry in ClinVar:

NM_001005242.3(PKP2):c.656G>A (p.Arg219Lys)

Gene: PKP2 (plakophilin 2; minus strand). Cytogenetic location: 12p11.21.
Variant type: single nucleotide variant.
Coding change: c.656G>A on transcript NM_001005242.3 (MANE Select); coding-DNA position 656, G replaced by A.
Protein change: p.Arg219Lys; replaces arginine 219 with lysine.
Molecular consequence: missense variant.
Genome position (GRCh38, 1-based): chr12:32,878,224, C>T on the plus strand (G>A on the coding strand, the complement: PKP2 is on the minus strand). VCF-style: chr12-32878224-C-T. GRCh37 (hg19) VCF-style: chr12-33031158-C-T.
Other names: c.656G>A, p.Arg219Lys (NM_001407155.1, NM_001407156.1, NM_001407157.1 and 2 more transcripts); c.329G>A, p.Arg110Lys (NM_001407158.1, NM_001407159.1, NM_001407160.1 and 1 more transcripts); short protein forms R110K, R219K.
Identifiers: ClinVar variation 1754235 (VCV001754235.7), dbSNP rs760774269, ClinGen allele CA038254.
Genomic context (GRCh38, chr12:32,878,224, plus strand): 5'-GCCGGGTTGGCAGGGATGCTGTCAAAAACGGTGTCGCTAACAGAGCCATGCTGGTACTGT[C>T]TGTGGTATGTGTCAAAGTGGCGCTGCCTGCTTGTGGTGCCAGCACGGCTGACCCCCACGA-3'
Protein context (NP_001005242.2, residues 209-229): SRQRHFDTYH[Arg219Lys]QYQHGSVSDT

ClinVar aggregate classification (germline): Uncertain significance. Review status: criteria provided, multiple submitters, no conflicts (2 of 4 stars). 2 submissions from 2 submitters: Uncertain significance (2). Last evaluated 2025-04-10.

Conditions:
Arrhythmogenic right ventricular dysplasia 9 (ARVD9). Also called: Arrhythmogenic Right Ventricular Dysplasia/Cardiomyopathy 9; ARRHYTHMOGENIC RIGHT VENTRICULAR DYSPLASIA, FAMILIAL, 9. Identifiers: MedGen C1836906, MONDO:0012180, OMIM 609040.
Cardiovascular phenotype. Identifiers: MedGen CN230736.

Allele frequency attached by ClinVar (database versions not stated): TOPMed below 0.00001; ExAC 0.00001; gnomAD 0.00001; gnomAD exomes 0.00001.

Submissions (2):

Labcorp Genetics (formerly Invitae), Labcorp
Classification: Uncertain significance for Arrhythmogenic right ventricular dysplasia 9. Last evaluated: 2025-04-10. Review status: criteria provided, single submitter. Criteria: Invitae Variant Classification Sherloc (09022015). Collection method: clinical testing. Allele origin: germline.
Comment: This sequence change replaces arginine, which is basic and polar, with lysine, which is basic and polar, at codon 219 of the PKP2 protein (p.Arg219Lys). This variant is present in population databases (rs760774269, gnomAD 0.003%). This variant has not been reported in the literature in individuals affected with PKP2-related conditions. ClinVar contains an entry for this variant (Variation ID: 1754235). An algorithm developed to predict the effect of missense changes on protein structure and function (PolyPhen-2) suggests that this variant is likely to be tolerated. In summary, the available evidence is currently insufficient to determine the role of this variant in disease. Therefore, it has been classified as a Variant of Uncertain Significance.

Ambry Genetics
Classification: Uncertain significance for Cardiovascular phenotype. Last evaluated: 2020-09-11. Review status: criteria provided, single submitter. Criteria: Ambry Variant Classification Scheme 2023. Collection method: clinical testing. Allele origin: germline.
Comment: The p.R219K variant (also known as c.656G>A), located in coding exon 3 of the PKP2 gene, results from a G to A substitution at nucleotide position 656. The arginine at codon 219 is replaced by lysine, an amino acid with highly similar properties. This amino acid position is highly conserved in available vertebrate species. In addition, the in silico prediction for this alteration is inconclusive. Since supporting evidence is limited at this time, the clinical significance of this alteration remains unclear.